The following is an entry in ClinVar:

NM_002609.4(PDGFRB):c.3137+10C>T

Gene: PDGFRB (platelet derived growth factor receptor beta; minus strand). Cytogenetic location: 5q32.
Variant type: single nucleotide variant.
Coding change: c.3137+10C>T on transcript NM_002609.4 (MANE Select); 10 bases into the intron after coding-DNA position 3137, C replaced by T.
Molecular consequence: intron variant.
Genome position (GRCh38, 1-based): chr5:150,117,608, G>A on the plus strand (C>T on the coding strand, the complement: PDGFRB is on the minus strand). VCF-style: chr5-150117608-G-A. GRCh37 (hg19) VCF-style: chr5-149497171-G-A.
Other names: c.2945+10C>T (NM_001355016.2); c.2654+10C>T (NM_001355017.2).
Identifiers: ClinVar variation 3029454 (VCV003029454.2), dbSNP rs758314238, ClinGen allele CA3507426.

ClinVar aggregate classification (germline): Likely benign (0 of 4 stars; one submission).

Conditions:
PDGFRB-related disorder. Also called: PDGFRB-related condition.

Allele frequency attached by ClinVar (database versions not stated): gnomAD 0.00001; gnomAD exomes 0.00001; ExAC 0.00003.
gnomAD v4.1: 14 of 1,514,006 alleles (0.00092%); highest among the groups gnomAD compares: East Asian, 0.014%; no homozygotes.

Submission:

PreventionGenetics, part of Exact Sciences
Classification: Likely benign for PDGFRB-related condition. Last evaluated: 2021-06-03. Review status: no assertion criteria provided. Collection method: clinical testing. Allele origin: germline.
Comment: This variant is classified as likely benign based on ACMG/AMP sequence variant interpretation guidelines (Richards et al. 2015 PMID: 25741868, with internal and published modifications).